The following is an entry in ClinVar:

NM_001127222.2(CACNA1A):c.6657_6659del (p.Pro2223del)

Gene: CACNA1A (calcium voltage-gated channel subunit alpha1 A; minus strand). Cytogenetic location: 19p13.13.
Variant type: Deletion.
Coding change: c.6657_6659del on transcript NM_001127222.2 (MANE Select); coding-DNA positions 6657 to 6659, 3 bases deleted (TCC; older notation c.6657_6659delTCC).
Protein change: p.Pro2223del; deletes proline 2223.
Genome position (GRCh38, 1-based): chr19:13,208,877-13,208,879, GGA deleted on the plus strand (TCC on the coding strand, the reverse complement: CACNA1A is on the minus strand). VCF-style (leftmost placement, unchanged base first): chr19-13208876-GGGA-G. GRCh37 (hg19) VCF-style: chr19-13319690-GGGA-G.
Other names: c.6675_6677del, p.Pro2229del (NM_000068.4, NM_023035.3); c.6660_6662del, p.Pro2224del (NM_001127221.2); c.6666_6668del, p.Pro2226del (NM_001174080.2); short protein forms P2226del, P2223del, P2224del, P2229del.
Identifiers: ClinVar variation 4788313 (VCV004788313.1).

ClinVar aggregate classification (germline): Uncertain significance (1 of 4 stars; one submission).

Conditions:
Episodic ataxia type 2 (EA2). Also called: ACETAZOLAMIDE-RESPONSIVE HEREDITARY PAROXYSMAL CEREBELLAR ATAXIA; ATAXIA, EPISODIC, WITH NYSTAGMUS; ATAXIA, FAMILIAL PAROXYSMAL; CEREBELLAR ATAXIA, PAROXYSMAL, ACETAZOLAMIDE-RESPONSIVE; CEREBELLOPATHY, HEREDITARY PAROXYSMAL; EPISODIC ATAXIA, NYSTAGMUS-ASSOCIATED. Identifiers: Orphanet 97, MedGen C1720416, MONDO:0007163, OMIM 108500.
Developmental and epileptic encephalopathy, 42 (DEE42A). Also called: Epileptic encephalopathy, early infantile, 42; DEVELOPMENTAL AND EPILEPTIC ENCEPHALOPATHY 42A; EPILEPTIC ENCEPHALOPATHY, EARLY INFANTILE, 42A. Identifiers: MedGen C4310716, MONDO:0014917, OMIM 617106.

Submission:

Labcorp Genetics (formerly Invitae), Labcorp
Classification: Uncertain significance for Developmental and epileptic encephalopathy, 42; Episodic ataxia type 2. Last evaluated: 2025-10-01. Review status: criteria provided, single submitter. Criteria: Invitae Variant Classification Sherloc (09022015). Collection method: clinical testing. Allele origin: germline.
Comment: This variant, c.6660_6662del, results in the deletion of 1 amino acid(s) of the CACNA1A protein (p.Pro2224del), but otherwise preserves the integrity of the reading frame. This variant is not present in population databases (gnomAD no frequency). This variant has not been reported in the literature in individuals affected with CACNA1A-related conditions. Experimental studies and prediction algorithms are not available or were not evaluated, and the functional significance of this variant is currently unknown. In summary, the available evidence is currently insufficient to determine the role of this variant in disease. Therefore, it has been classified as a Variant of Uncertain Significance.